The following is an entry in ClinVar:

NM_000264.5(PTCH1):c.244A>G (p.Lys82Glu)

Gene: PTCH1 (patched 1; minus strand). Cytogenetic location: 9q22.32.
Variant type: single nucleotide variant.
Coding change: c.244A>G on transcript NM_000264.5 (MANE Select); coding-DNA position 244, A replaced by G.
Protein change: p.Lys82Glu; replaces lysine 82 with glutamic acid.
Molecular consequence: missense variant. On other transcripts: 5 prime UTR variant (4), non-coding transcript variant (1).
Genome position (GRCh38, 1-based): chr9:95,506,557, T>C on the plus strand (A>G on the coding strand, the complement: PTCH1 is on the minus strand). VCF-style: chr9-95506557-T-C. GRCh37 (hg19) VCF-style: chr9-98268839-T-C.
Other names: c.46A>G, p.Lys16Glu (NM_001083602.3, NM_001354919.2); c.241A>G, p.Lys81Glu (NM_001083603.3); c.-210A>G (NM_001083604.3, NM_001083605.3, NM_001083606.3 and 1 more transcripts); c.244A>G, p.Lys82Glu (NM_001354918.2); short protein forms K82E, K16E, K81E.
Identifiers: ClinVar variation 1791448 (VCV001791448.2), dbSNP rs2118880255, ClinGen allele CA374120574.

ClinVar aggregate classification (germline): Uncertain significance (1 of 4 stars; one submission).

Conditions:
Hereditary cancer-predisposing syndrome. Also called: Hereditary Cancer Syndrome; Hereditary neoplastic syndrome; Tumor predisposition; Neoplastic Syndromes, Hereditary. Identifiers: Orphanet 140162, MedGen C0027672, MeSH D009386, MONDO:0015356.

Submission:

Ambry Genetics
Classification: Uncertain significance for Hereditary cancer-predisposing syndrome. Last evaluated: 2022-05-16. Review status: criteria provided, single submitter. Criteria: Ambry Variant Classification Scheme 2023. Collection method: clinical testing. Allele origin: germline.
Comment: The p.K82E variant (also known as c.244A>G), located in coding exon 2 of the PTCH1 gene, results from an A to G substitution at nucleotide position 244. The lysine at codon 82 is replaced by glutamic acid, an amino acid with similar properties. This amino acid position is conserved. In addition, the in silico prediction for this alteration is inconclusive. Since supporting evidence is limited at this time, the clinical significance of this alteration remains unclear.